The following is an entry in ClinVar:

NM_012431.3(SEMA3E):c.960T>A (p.His320Gln)

Gene: SEMA3E (semaphorin 3E; minus strand). Cytogenetic location: 7q21.11.
Variant type: single nucleotide variant.
Coding change: c.960T>A on transcript NM_012431.3 (MANE Select); coding-DNA position 960, T replaced by A.
Protein change: p.His320Gln; replaces histidine 320 with glutamine.
Molecular consequence: missense variant.
Genome position (GRCh38, 1-based): chr7:83,405,488, A>T on the plus strand (T>A on the coding strand, the complement: SEMA3E is on the minus strand). VCF-style: chr7-83405488-A-T. GRCh37 (hg19) VCF-style: chr7-83034804-A-T.
Other names: c.780T>A, p.His260Gln (NM_001178129.2); short protein forms H260Q, H320Q.
Identifiers: ClinVar variation 2084249 (VCV002084249.4), dbSNP rs1369377764, ClinGen allele CA367929443.

ClinVar aggregate classification (germline): Uncertain significance (1 of 4 stars; one submission).

Conditions:
CHARGE syndrome (CHARGE). Also called: Hittner Hirsch Kreh syndrome; CHARGE ASSOCIATION--COLOBOMA, HEART ANOMALY, CHOANAL ATRESIA, RETARDATION, GENITAL AND EAR ANOMALIES; Coloboma, heart anomaly, choanal atresia, retardation, genital and ear anomalies; CHARGE association; Hall-Hittner syndrome. Identifiers: Orphanet 138, MedGen C0265354, MONDO:0008965.

Submission:

Labcorp Genetics (formerly Invitae), Labcorp
Classification: Uncertain significance for CHARGE syndrome. Last evaluated: 2022-07-14. Review status: criteria provided, single submitter. Criteria: Invitae Variant Classification Sherloc (09022015). Collection method: clinical testing. Allele origin: germline.
Comment: This sequence change replaces histidine, which is basic and polar, with glutamine, which is neutral and polar, at codon 320 of the SEMA3E protein (p.His320Gln). In summary, the available evidence is currently insufficient to determine the role of this variant in disease. Therefore, it has been classified as a Variant of Uncertain Significance. Algorithms developed to predict the effect of missense changes on protein structure and function output the following: SIFT: "Tolerated"; PolyPhen-2: "Benign"; Align-GVGD: "Class C0". The glutamine amino acid residue is found in multiple mammalian species, which suggests that this missense change does not adversely affect protein function. This variant has not been reported in the literature in individuals affected with SEMA3E-related conditions. This variant is not present in population databases (gnomAD no frequency).